The following is an entry in ClinVar:

ClinVar aggregate classification (germline): Uncertain significance (1 of 4 stars; one submission).

Allele frequency attached by ClinVar (database versions not stated): gnomAD exomes below 0.00001.
gnomAD v4.1: 1 of 1,614,154 alleles (0.000062%); highest among the groups gnomAD compares: Non-Finnish European, 0.000085%; no homozygotes.

Submission:

CeGaT Center for Human Genetics Tuebingen
Classification: Uncertain significance. Last evaluated: 2022-05-01. Review status: criteria provided, single submitter. Criteria: CeGaT Center For Human Genetics Tuebingen Variant Classification Criteria Version 2. Collection method: clinical testing. Allele origin: germline. Affected: yes. Observed: 1 variant allele.
Comment: KIF5A: PM2, PP2

NM_004984.4(KIF5A):c.233A>G (p.Tyr78Cys)

Gene: KIF5A (kinesin family member 5A; plus strand). Cytogenetic location: 12q13.3.
Variant type: single nucleotide variant.
Coding change: c.233A>G on transcript NM_004984.4 (MANE Select); coding-DNA position 233, A replaced by G.
Protein change: p.Tyr78Cys; replaces tyrosine 78 with cysteine.
Molecular consequence: missense variant. On other transcripts: intron variant (1).
Genome position (GRCh38, 1-based): chr12:57,563,635, A>G. VCF-style: chr12-57563635-A-G. GRCh37 (hg19) VCF-style: chr12-57957418-A-G.
Other names: c.130-825A>G (NM_001354705.2); short protein forms Y78C.
Identifiers: ClinVar variation 1694668 (VCV001694668.31), dbSNP rs2140158848, ClinGen allele CA385493245.